The following is an entry in ClinVar:

NM_000257.4(MYH7):c.3300C>T (p.Leu1100=)

Gene: MYH7 (myosin heavy chain 7; minus strand). Cytogenetic location: 14q11.2.
Variant type: single nucleotide variant.
Coding change: c.3300C>T on transcript NM_000257.4 (MANE Select); coding-DNA position 3300, C replaced by T.
Protein change: p.Leu1100=; no amino-acid change (leucine 1100 retained).
Molecular consequence: synonymous variant.
Genome position (GRCh38, 1-based): chr14:23,420,994, G>A on the plus strand (C>T on the coding strand, the complement: MYH7 is on the minus strand). VCF-style: chr14-23420994-G-A. GRCh37 (hg19) VCF-style: chr14-23890203-G-A.
Identifiers: ClinVar variation 919626 (VCV000919626.16), dbSNP rs1266310347, ClinGen allele CA485621447.

ClinVar aggregate classification (germline): Likely benign. Review status: criteria provided, multiple submitters, no conflicts (2 of 4 stars). 5 submissions from 5 submitters: Likely benign (5). Last evaluated 2025-09-14.

Conditions:
Cardiovascular phenotype. Identifiers: MedGen CN230736.
Cardiomyopathy (CMYO). Also called: Cardiomyopathies. Identifiers: Orphanet 167848, MedGen C0878544, MONDO:0004994, HP:0001638. Inheritance: Various modes of inheritance.
Hypertrophic cardiomyopathy. Also called: HYPERTROPHIC MYOCARDIOPATHY. Identifiers: Orphanet 217569, MedGen C0007194, MeSH D002312, MONDO:0005045, HP:0001639.

Allele frequency attached by ClinVar (database versions not stated): gnomAD 0.00001; gnomAD exomes 0.00002.
gnomAD v4.1: 32 of 1,612,462 alleles (0.002%); highest among the groups gnomAD compares: Middle Eastern, 0.021%; no homozygotes.

Submissions (5):

Labcorp Genetics (formerly Invitae), Labcorp
Classification: Likely benign for Hypertrophic cardiomyopathy. Last evaluated: 2025-09-14. Review status: criteria provided, single submitter. Criteria: Invitae Variant Classification Sherloc (09022015). Collection method: clinical testing. Allele origin: germline.

Ambry Genetics
Classification: Likely benign for Cardiovascular phenotype. Last evaluated: 2025-05-24. Review status: criteria provided, single submitter. Criteria: Ambry Variant Classification Scheme 2023. Collection method: clinical testing. Allele origin: germline.

Molecular Diagnostic Laboratory for Inherited Cardiovascular Disease, Montreal Heart Institute
Classification: Likely benign. Last evaluated: 2025-04-09. Review status: criteria provided, single submitter. Criteria: ACMG Guidelines, 2015. Collection method: clinical testing. Allele origin: germline. Affected: no.

All of Us Research Program, National Institutes of Health
Classification: Likely benign for Cardiomyopathy. Last evaluated: 2024-08-06. Review status: criteria provided, single submitter. Criteria: ACMG Guidelines, 2015. Collection method: clinical testing. Allele origin: germline. Inheritance: Autosomal dominant inheritance. Observed: 6 variant alleles, 6 heterozygotes.
Comment: This study involves interpretation of variants in research participants for the purpose of population health screening. Participant phenotype was not available at the time of variant classification. Additional details can be found in publication PMID: 35346344, PMCID: PMC8962531

Color Diagnostics, LLC DBA Color Health
Classification: Likely benign for Cardiomyopathy. Last evaluated: 2019-11-24. Review status: criteria provided, single submitter. Criteria: ACMG Guidelines, 2015. Collection method: clinical testing. Allele origin: germline.